The following is an entry in ClinVar:

ClinVar aggregate classification (germline): Pathogenic (1 of 4 stars; one submission).

Conditions:
Neuronal ceroid lipofuscinosis 11. Also called: GRN-Related Neuronal Ceroid-Lipofuscinosis. Identifiers: Orphanet 314629, Orphanet 79262, MedGen C3539123, MONDO:0013866, OMIM 614706.
GRN-related frontotemporal lobar degeneration with Tdp43 inclusions (FTD2). Also called: DEMENTIA, HEREDITARY DYSPHASIC DISINHIBITION; FRONTOTEMPORAL LOBAR DEGENERATION WITH UBIQUITIN-POSITIVE INCLUSIONS; FTLD-TDP, GRN-RELATED; GRN Frontotemporal Dementia; FRONTOTEMPORAL DEMENTIA WITH TDP43 INCLUSIONS, GRN-RELATED. Identifiers: Orphanet 100070, Orphanet 282, MedGen C1843792, MONDO:0011842, OMIM 607485. Disease mechanism: loss of function.

Submission:

Labcorp Genetics (formerly Invitae), Labcorp
Classification: Pathogenic for Neuronal ceroid lipofuscinosis 11; GRN-related frontotemporal lobar degeneration with Tdp43 inclusions. Last evaluated: 2022-07-11. Review status: criteria provided, single submitter. Criteria: Invitae Variant Classification Sherloc (09022015). Collection method: clinical testing. Allele origin: germline.
Comment: Algorithms developed to predict the effect of sequence changes on RNA splicing suggest that this variant may disrupt the consensus splice site. For these reasons, this variant has been classified as Pathogenic. Studies have shown that disruption of this splice site alters GRN gene expression (PMID: 27567822). This variant is also known as g.9543delA (IVS3-2delA). Disruption of this splice site has been observed in individual(s) with autosomal dominant GRN-related conditions (PMID: 27567822). This variant is not present in population databases (gnomAD no frequency). This sequence change affects a splice site in intron 3 of the GRN gene. It is expected to disrupt RNA splicing. Variants that disrupt the donor or acceptor splice site typically lead to a loss of protein function (PMID: 16199547), and loss-of-function variants in GRN are known to be pathogenic (PMID: 16862116, 16950801, 22608501).

Literature cited by the submitters: PubMed 27567822; PubMed 16199547; PubMed 16862116; PubMed 16950801; PubMed 22608501.

NM_002087.4(GRN):c.265-2del

Gene: GRN (granulin precursor; plus strand). Cytogenetic location: 17q21.31.
Variant type: Deletion.
Coding change: c.265-2del on transcript NM_002087.4 (MANE Select); the canonical splice acceptor site of the intron before coding-DNA position 265, one base deleted (A; older notation c.265-2delA).
Molecular consequence: splice acceptor variant.
Genome position (GRCh38, 1-based): chr17:44,349,665, A deleted. VCF-style (leftmost placement, unchanged base first): chr17-44349664-CA-C. GRCh37 (hg19) VCF-style: chr17-42427032-CA-C.
Identifiers: ClinVar variation 2138053 (VCV002138053.4), dbSNP rs2510054676, ClinGen allele CA2580093877.